The following is an entry in ClinVar:

NM_001199107.2(TBC1D24):c.22T>C (p.Cys8Arg)

Gene: TBC1D24 (TBC1 domain family member 24; plus strand). Cytogenetic location: 16p13.3.
Variant type: single nucleotide variant.
Coding change: c.22T>C on transcript NM_001199107.2 (MANE Select); coding-DNA position 22, T replaced by C.
Protein change: p.Cys8Arg; replaces cysteine 8 with arginine.
Molecular consequence: missense variant.
Genome position (GRCh38, 1-based): chr16:2,496,170, T>C. VCF-style: chr16-2496170-T-C. GRCh37 (hg19) VCF-style: chr16-2546171-T-C.
Other names: c.22T>C, p.Cys8Arg (NM_020705.3); short protein forms C8R.
Identifiers: ClinVar variation 195134 (VCV000195134.68), dbSNP rs77585883, ClinGen allele CA201584.

ClinVar aggregate classification (germline): Benign/Likely benign. Review status: criteria provided, multiple submitters, no conflicts (2 of 4 stars). 9 submissions from 9 submitters: Benign (2); Likely benign (6). 1 of the submissions does not count toward it. Last evaluated 2025-10-17.

Conditions:
TBC1D24-related disorder. Also called: TBC1D24-related condition; TBC1D24-related disorders. Identifiers: MedGen CN381194.
Developmental and epileptic encephalopathy, 1 (DEE1). Also called: Epileptic encephalopathy, early infantile, 1; X-linked infantile spasms; West's syndrome; Tonic spasms with clustering, arrest of psychomotor development and hypsarrhythmia on EEG; X-Linked Infantile Spasm Syndrome; OHTAHARA SYNDROME, X-LINKED. Identifiers: MedGen C3463992, MONDO:0010632, OMIM 308350. Disease mechanism: loss of function.
Autosomal dominant nonsyndromic hearing loss 65. Also called: Deafness, autosomal dominant 65; TBC1D24-Related Autosomal Dominant Nonsyndromic Hearing Loss (DFNA). Identifiers: Orphanet 90635, MedGen C3892048, MONDO:0014470, OMIM 616044.
Inborn genetic diseases. Identifiers: MedGen C0950123, MeSH D030342.
Familial infantile myoclonic epilepsy (FIME). Also called: Epilepsy, Myoclonic, Infantile; TBC1D24-Related Familial Infantile Myoclonic Epilepsy (FIME). Identifiers: Orphanet 352582, MedGen C0917800, MONDO:0011506, OMIM 605021.

Allele frequency attached by ClinVar (database versions not stated): ESP Exome Variant Server 0.00008; gnomAD 0.00024 and 0.00037; gnomAD exomes 0.00033 and 0.00069; TOPMed 0.00046; ExAC 0.00065; 1000 Genomes Project 30x 0.00250; 1000 Genomes Project 0.00280.

Submissions (9):

Labcorp Genetics (formerly Invitae), Labcorp
Classification: Likely benign for Developmental and epileptic encephalopathy, 1; Autosomal dominant nonsyndromic hearing loss 65. Last evaluated: 2025-10-17. Review status: criteria provided, single submitter. Criteria: Invitae Variant Classification Sherloc (09022015). Collection method: clinical testing. Allele origin: germline.

CeGaT Center for Human Genetics Tuebingen
Classification: Likely benign. Last evaluated: 2025-06-01. Review status: criteria provided, single submitter. Criteria: CeGaT Center For Human Genetics Tuebingen Variant Classification Criteria Version 2. Collection method: clinical testing. Allele origin: germline. Affected: yes. Observed: 4 variant alleles.
Comment: TBC1D24: BP4, BS1

Blueprint Genetics
Classification: Likely benign. Last evaluated: 2024-11-18. Review status: criteria provided, single submitter. Criteria: ACMG Guidelines, 2015. Collection method: clinical testing. Allele origin: germline.

GeneDx
Classification: Likely benign. Last evaluated: 2021-04-28. Review status: criteria provided, single submitter. Criteria: GeneDx Variant Classification Process June 2021. Collection method: clinical testing. Allele origin: germline. Affected: yes.
Comment: This variant is associated with the following publications: (PMID: 24291220, 30180405, 29924869)

Ambry Genetics
Classification: Likely benign for Inborn genetic diseases. Last evaluated: 2018-09-27. Review status: criteria provided, single submitter. Criteria: Ambry Variant Classification Scheme 2023. Collection method: clinical testing. Allele origin: germline.

Illumina Laboratory Services, Illumina
Classification: Likely benign for Familial infantile myoclonic epilepsy. Last evaluated: 2018-01-13. Review status: criteria provided, single submitter. Criteria: ICSL Variant Classification Criteria 13 December 2019. Collection method: clinical testing. Allele origin: germline.
Comment: This variant was observed in the ICSL laboratory as part of a predisposition screen in an ostensibly healthy population. It had not been previously curated by ICSL or reported in the Human Gene Mutation Database (HGMD: prior to June 1st, 2018), and was therefore a candidate for classification through an automated scoring system. Utilizing variant allele frequency, disease prevalence and penetrance estimates, and inheritance mode, an automated score was calculated to assess if this variant is too frequent to cause the disease. Based on the score and internal cut-off values, a variant classified as likely benign is not then subjected to further curation. The score for this variant resulted in a classification of likely benign for this disease.

Eurofins Ntd Llc (ga)
Classification: Benign. Last evaluated: 2015-03-19. Review status: criteria provided, single submitter. Criteria: EGL Classification Definitions 2015. Collection method: clinical testing. Allele origin: germline.

Laboratory for Molecular Medicine, Mass General Brigham Personalized Medicine
Classification: Benign. Last evaluated: 2014-11-24. Review status: criteria provided, single submitter. Criteria: LMM Criteria. Collection method: clinical testing. Allele origin: germline. Observed: 3 variant alleles.
Comment: Cys8Arg in exon 2 of TBC1D24: This variant is not expected to have clinical sign ificance because it has been identified in 3.6% (7/194) of Han Chinese chromosom es from a broad population by the 1000 Genomes Project (. gov/projects/SNP; dbSNP rs77585883).

PreventionGenetics, part of Exact Sciences
Classification: Benign for TBC1D24-related condition. Last evaluated: 2024-05-03. Review status: no assertion criteria provided. Collection method: clinical testing. Allele origin: germline. Not counted in ClinVar's aggregate classification.
Comment: This variant is classified as benign based on ACMG/AMP sequence variant interpretation guidelines (Richards et al. 2015 PMID: 25741868, with internal and published modifications).